The following is an entry in ClinVar:

ClinVar aggregate classification (germline): Likely pathogenic (1 of 4 stars; one submission).

Conditions:
Autosomal dominant nonsyndromic hearing loss 23. Identifiers: Orphanet 90635, MedGen C1854594, MONDO:0011519, OMIM 605192.

Submission:

Center for Human Genetics and Genomic Medicine, Uniklinik Rwth Aachen
Classification: Likely pathogenic for Autosomal dominant nonsyndromic hearing loss 23. Last evaluated: 2026-03-03. Review status: criteria provided, single submitter. Criteria: ACMG Guidelines, 2015. Collection method: clinical testing. Allele origin: germline. Inheritance: Autosomal dominant inheritance. Affected: yes. Observed: 1 variant allele, 1 heterozygote.
Comment: To date, this variant has not been reported in the literature or in the ClinVar database. In the general population (gnomAD v4.1.0), it has not yet been detected (PM2_sup). The variant represents a frameshift followed by a stop codon. This typically leads either to premature termination of translation or to what is known as “nonsense-mediated mRNA decay.” In both cases, this results in a loss of protein function (“loss-of-function”). For the SIX1 gene, haploinsufficiency has been described as a pathomechanism: Another frameshift variant, NM_005982.4:c.307dup, (p.Leu103fs), which is also located in the SD domain of SIX1, has already been reported as pathogenic in a patient with sensorineural hearing loss (Lee et al.)(VCV002503043.2); furthermore, other frameshift and nonsense variants are classified in ClinVar as (likely) pathogenic (including VCV003356413.1, VCV003066285.1, VCV004280674.1; PVS1).

Literature cited by the submitters: PubMed 37479820.

NM_005982.4(SIX1):c.320del (p.Gly107fs)

Gene: SIX1 (SIX homeobox 1; minus strand). Cytogenetic location: 14q23.1.
Variant type: Deletion.
Coding change: c.320del on transcript NM_005982.4 (MANE Select); coding-DNA position 320, one base deleted (G; older notation c.320delG).
Protein change: p.Gly107fs; shifts the reading frame from glycine 107.
Molecular consequence: frameshift variant.
Genome position (GRCh38, 1-based): chr14:60,648,870, C deleted on the plus strand (G on the coding strand, the reverse complement: SIX1 is on the minus strand); the first of 3 consecutive C bases (chr14:60,648,870-60,648,872); deleting any one gives the same sequence. VCF-style (leftmost placement, unchanged base first): chr14-60648869-GC-G. GRCh37 (hg19) VCF-style: chr14-61115587-GC-G.
Other names: c.320del, p.Gly107fs (NM_001425142.1); short protein forms G107fs.
Identifiers: ClinVar variation 4857219 (VCV004857219.1).